The following is an entry in ClinVar:

NM_000179.3(MSH6):c.3297dup (p.Thr1100fs)

Gene: MSH6 (mutS homolog 6; plus strand). Cytogenetic location: 2p16.3.
Variant type: Duplication.
Coding change: c.3297dup on transcript NM_000179.3 (MANE Select); coding-DNA position 3297, one base duplicated (T; older notation c.3297dupT).
Protein change: p.Thr1100fs; shifts the reading frame from threonine 1100.
Molecular consequence: frameshift variant.
Genome position (GRCh38, 1-based): chr2:47,803,544, T duplicated; the last of 2 consecutive T bases (chr2:47,803,543-47,803,544); duplicating either gives the same sequence. VCF-style (leftmost placement, unchanged base first): chr2-47803542-A-AT. GRCh37 (hg19) VCF-style: chr2-48030681-A-AT.
Other names: c.2907dup, p.Thr970fs (NM_001281492.2); c.2391dup, p.Thr798fs (NM_001281493.2, NM_001281494.2); c.3393dup, p.Thr1132Tyrfs (NM_001406795.1, NM_001406802.1); c.3297dup, p.Thr1100Tyrfs (NM_001406796.1, NM_001406800.1, NM_001406808.1 and 1 more transcripts); c.3000dup, p.Thr1001Tyrfs (NM_001406797.1, NM_001406801.1, NM_001406805.1 and 10 more transcripts); c.2772dup, p.Thr925Tyrfs (NM_001406799.1, NM_001406806.1, NM_001406807.1); c.2433dup, p.Thr812Tyrfs (NM_001406803.1); c.3219dup, p.Thr1074Tyrfs (NM_001406804.1); and 8 more; short protein forms T798fs, T1100fs, T970fs.
Identifiers: ClinVar variation 1729898 (VCV001729898.2), dbSNP rs2104478767, ClinGen allele CA2580067043.

ClinVar aggregate classification (germline): Pathogenic (1 of 4 stars; one submission).

Conditions:
Hereditary cancer-predisposing syndrome. Also called: Neoplastic Syndromes, Hereditary; Tumor predisposition; Hereditary Cancer Syndrome; Hereditary neoplastic syndrome. Identifiers: Orphanet 140162, MedGen C0027672, MeSH D009386, MONDO:0015356.

Submission:

Ambry Genetics
Classification: Pathogenic for Hereditary cancer-predisposing syndrome. Last evaluated: 2021-01-07. Review status: criteria provided, single submitter. Criteria: Ambry Variant Classification Scheme 2023. Collection method: clinical testing. Allele origin: germline.
Comment: The c.3297dupT pathogenic mutation, located in coding exon 5 of the MSH6 gene, results from a duplication of T at nucleotide position 3297, causing a translational frameshift with a predicted alternate stop codon (p.T1100Yfs*8). This alteration is expected to result in loss of function by premature protein truncation or nonsense-mediated mRNA decay. As such, this alteration is interpreted as a disease-causing mutation.